The following is an entry in ClinVar:

ClinVar aggregate classification (germline): Uncertain significance. Review status: criteria provided, multiple submitters, no conflicts (2 of 4 stars). 2 submissions from 2 submitters: Uncertain significance (2). Last evaluated 2026-08-30.

Conditions:
Cardiovascular phenotype. Identifiers: MedGen CN230736.
CBL-related disorder. Also called: NOONAN SYNDROME-LIKE DISORDER WITHOUT JUVENILE MYELOMONOCYTIC LEUKEMIA; CBL MUTATION-ASSOCIATED SYNDROME; CBL SYNDROME. Identifiers: Orphanet 363972, MedGen C3150803, MONDO:0013308, OMIM 613563.

Submissions (2):

Ambry Genetics
Classification: Uncertain significance for Cardiovascular phenotype. Last evaluated: 2026-08-30. Review status: criteria provided, single submitter. Criteria: Ambry Variant Classification Scheme 2023. Collection method: clinical testing. Allele origin: germline.
Comment: The p.M734V variant (also known as c.2200A>G), located in coding exon 14 of the CBL gene, results from an A to G substitution at nucleotide position 2200. The methionine at codon 734 is replaced by valine, an amino acid with highly similar properties. This amino acid position is conserved. In addition, the in silico prediction for this alteration is inconclusive. Based on the available evidence, the clinical significance of this variant remains unclear.

PreventionGenetics, part of Exact Sciences
Classification: Uncertain significance for CBL-related condition. Last evaluated: 2025-12-16. Review status: criteria provided, single submitter. Criteria: ACMG Guidelines, 2015. Collection method: clinical testing. Allele origin: germline.
Comment: The CBL c.2200A>G variant is predicted to result in the amino acid substitution p.Met734Val. To our knowledge, this variant has not been reported in the literature or in a large population database (gnomAD), indicating this variant is rare. At this time, the clinical significance of this variant is uncertain due to the absence of conclusive functional and genetic evidence.

NM_005188.4(CBL):c.2200A>G (p.Met734Val)

Gene: CBL (Cbl proto-oncogene; plus strand). Cytogenetic location: 11q23.3.
Variant type: single nucleotide variant.
Coding change: c.2200A>G on transcript NM_005188.4 (MANE Select); coding-DNA position 2200, A replaced by G.
Protein change: p.Met734Val; replaces methionine 734 with valine.
Molecular consequence: missense variant.
Genome position (GRCh38, 1-based): chr11:119,297,430, A>G. VCF-style: chr11-119297430-A-G. GRCh37 (hg19) VCF-style: chr11-119168140-A-G.
Other names: c.2200A>G (NM_005188.2); short protein forms M734V.
Identifiers: ClinVar variation 5002152 (VCV005002152.2).